The following is an entry in ClinVar:

NM_000257.4(MYH7):c.4353+3G>A

Genes: MHRT (myosin heavy chain associated RNA transcript; plus strand), MYH7 (myosin heavy chain 7; minus strand). Cytogenetic location: 14q11.2.
Variant type: single nucleotide variant.
Coding change: c.4353+3G>A on transcript NM_000257.4 (MANE Select); 3 bases into the intron after coding-DNA position 4353, G replaced by A.
Molecular consequence: intron variant.
Genome position (GRCh38, 1-based): chr14:23,417,500, C>T on the plus strand (G>A on the coding strand, the complement: MYH7 is on the minus strand). VCF-style: chr14-23417500-C-T. GRCh37 (hg19) VCF-style: chr14-23886709-C-T.
Other names: c.4353+3G>A (NM_001407004.1).
Identifiers: ClinVar variation 3074044 (VCV003074044.1), dbSNP rs767518107, ClinGen allele CA041807.

ClinVar aggregate classification (germline): Uncertain significance (1 of 4 stars; one submission).

Conditions:
Cardiomyopathy (CMYO). Also called: Cardiomyopathies. Identifiers: Orphanet 167848, MedGen C0878544, MONDO:0004994, HP:0001638. Inheritance: Various modes of inheritance.

Submission:

All of Us Research Program, National Institutes of Health
Classification: Uncertain significance for Cardiomyopathy. Last evaluated: 2023-10-23. Review status: criteria provided, single submitter. Criteria: ACMG Guidelines, 2015. Collection method: clinical testing. Allele origin: germline. Inheritance: Autosomal dominant inheritance. Observed: 1 variant allele, 1 heterozygote.
Comment: This variant causes a G to A nucleotide substitution at the +3 position of intron 31 of the MYH7 gene. To our knowledge, functional studies have not been reported for this variant. This variant has not been reported in individuals affected with MYH7-related disorders in the literature. This variant has been identified in 1/251300 chromosomes in the general population by the Genome Aggregation Database (gnomAD). Clinical relevance of loss-of-function MYH7 truncation and splice variants in autosomal dominant cardiovascular diseases is not yet clearly established. The available evidence is insufficient to determine the role of this variant in disease conclusively. Therefore, this variant is classified as a Variant of Uncertain Significance.

This study involves interpretation of variants in research participants for the purpose of population health screening. Participant phenotype was not available at the time of variant classification. Additional details can be found in publication PMID: 35346344, PMCID: PMC8962531